The following is an entry in ClinVar:

NM_004817.4(TJP2):c.2566+5_2566+10del

Gene: TJP2 (tight junction protein 2; plus strand). Cytogenetic location: 9q21.11.
Variant type: Deletion.
Coding change: c.2566+5_2566+10del on transcript NM_004817.4 (MANE Select); bases 5 to 10 of the intron after coding-DNA position 2566, 6 bases deleted (GTGAAA; older notation c.2566+5_2566+10delGTGAAA).
Molecular consequence: intron variant.
Genome position (GRCh38, 1-based): chr9:69,240,152-69,240,157, GTGAAA deleted; deleting any 6 consecutive bases within chr9:69,240,150-69,240,157 gives the same sequence; the c. name uses the placement nearest the transcript's 3' end. VCF-style (leftmost placement, unchanged base first): chr9-69240149-TAAGTGA-T. GRCh37 (hg19) VCF-style: chr9-71855065-TAAGTGA-T.
Other names: c.2497+5_2497+10del (NM_001170414.2, NM_001369871.1); c.2491+5_2491+10del (NM_001369870.1); c.2566+5_2566+10del (NM_201629.3, NM_001369872.1, NM_001369873.1); c.2578+5_2578+10del (NM_001170415.1, NM_001369875.1, NM_001369874.1); c.2659+5_2659+10del (NM_001170416.2).
Identifiers: ClinVar variation 4986331 (VCV004986331.1).

ClinVar aggregate classification (germline): Likely benign (1 of 4 stars; one submission).

Conditions:
TJP2-related disorder. Also called: TJP2-related condition.

Submission:

PreventionGenetics, part of Exact Sciences
Classification: Likely benign for TJP2-related condition. Last evaluated: 2024-11-15. Review status: criteria provided, single submitter. Criteria: ACMG Guidelines, 2015. Collection method: clinical testing. Allele origin: germline.
Comment: This variant is classified as likely benign based on ACMG/AMP sequence variant interpretation guidelines (Richards et al. 2015 PMID: 25741868, with internal and published modifications).